The following is an entry in ClinVar:

ClinVar aggregate classification (germline): Uncertain significance (1 of 4 stars; one submission).

gnomAD v4.1: 2 of 1,613,982 alleles (0.00012%); highest among the groups gnomAD compares: Non-Finnish European, 0.00017%; no homozygotes.

Submission:

Labcorp Genetics (formerly Invitae), Labcorp
Classification: Uncertain significance. Last evaluated: 2025-12-01. Review status: criteria provided, single submitter. Criteria: Invitae Variant Classification Sherloc (09022015). Collection method: clinical testing. Allele origin: germline.
Comment: This sequence change replaces aspartic acid, which is acidic and polar, with tyrosine, which is neutral and polar, at codon 2903 of the VCAN protein (p.Asp2903Tyr). This variant is not present in population databases (gnomAD no frequency). This variant has not been reported in the literature in individuals affected with VCAN-related conditions. An algorithm developed to predict the effect of missense changes on protein structure and function (PolyPhen-2) suggests that this variant is likely to be tolerated. In summary, the available evidence is currently insufficient to determine the role of this variant in disease. Therefore, it has been classified as a Variant of Uncertain Significance.

NM_004385.5(VCAN):c.8707G>T (p.Asp2903Tyr)

Genes: VCAN (versican; plus strand), VCAN-AS1 (VCAN antisense RNA 1; minus strand). Cytogenetic location: 5q14.3.
Variant type: single nucleotide variant.
Coding change: c.8707G>T on transcript NM_004385.5 (MANE Select); coding-DNA position 8707, G replaced by T.
Protein change: p.Asp2903Tyr; replaces aspartic acid 2903 with tyrosine.
Molecular consequence: missense variant. On other transcripts: intron variant (2).
Genome position (GRCh38, 1-based): chr5:83,541,710, G>T. VCF-style: chr5-83541710-G-T. GRCh37 (hg19) VCF-style: chr5-82837529-G-T.
Other names: c.5746G>T, p.Asp1916Tyr (NM_001164097.2); c.4004-3827G>T (NM_001164098.2); c.1043-3827G>T (NM_001126336.3); short protein forms D1916Y, D2903Y.
Identifiers: ClinVar variation 4804831 (VCV004804831.1).
Genomic context (GRCh38, chr5:83,541,710, plus strand): 5'-TACCTTCACATAACTGAGCCTCCCTCTTTATCTCCTGACACAAAATTAGAACCTTCAGAA[G>T]ATGATGGTAAACCTGAGTTATTAGAAGAAATGGAAGCTTCTCCCACAGAACTTATTGCTG-3'
Protein context (NP_004376.2, residues 2893-2913): SPDTKLEPSE[Asp2903Tyr]DGKPELLEEM